The following is an entry in ClinVar:

NM_032383.5(HPS3):c.2506delinsAA (p.Leu836fs)

Genes: CP (ceruloplasmin; minus strand), HPS3 (HPS3 biogenesis of lysosomal organelles complex 2 subunit 1; plus strand). Cytogenetic location: 3q24.
Variant type: Indel.
Coding change: c.2506delinsAA on transcript NM_032383.5 (MANE Select); coding-DNA position 2506, T replaced by AA.
Protein change: p.Leu836fs; shifts the reading frame from leucine 836.
Molecular consequence: frameshift variant.
Genome position (GRCh38, 1-based): chr3:149,163,866, T replaced by AA. VCF-style: chr3-149163866-T-AA. GRCh37 (hg19) VCF-style: chr3-148881653-T-AA.
Other names: c.2011delinsAA, p.Leu671fs (NM_001308258.2); short protein forms L671fs, L836fs.
Identifiers: ClinVar variation 5010371 (VCV005010371.1).

ClinVar aggregate classification (germline): Pathogenic (1 of 4 stars; one submission).

Conditions:
Hermansky-Pudlak syndrome 3 (HPS3). Identifiers: Orphanet 231512, Orphanet 79430, MedGen C3888001, MONDO:0013555, OMIM 614072.

Submission:

Myriad Genetics, Inc.
Classification: Pathogenic for Hermansky-Pudlak syndrome 3. Last evaluated: 2024-05-14. Review status: criteria provided, single submitter. Criteria: Myriad Autosomal Dominant, Autosomal Recessive and X-Linked Classification Criteria (2023). Collection method: clinical testing. Allele origin: unknown.
Comment: NM_032383.3(HPS3):c.2506delTinsAA(L836Nfs*13) is expected to be pathogenic in the context of Hermansky-Pudlak syndrome, HPS3-related. This variant is predicted to lead to an abnormal or absent protein product due to the creation of a premature termination codon in HPS3, a gene where loss-of-function variants are known to be pathogenic. Please note: this variant was assessed in the context of healthy population screening.